The following is an entry in ClinVar:

ClinVar aggregate classification (germline): Uncertain significance (1 of 4 stars; one submission).

Submission:

Labcorp Genetics (formerly Invitae), Labcorp
Classification: Uncertain significance. Last evaluated: 2022-04-08. Review status: criteria provided, single submitter. Criteria: Invitae Variant Classification Sherloc (09022015). Collection method: clinical testing. Allele origin: germline.
Comment: This variant, c.556_564del, results in the deletion of 3 amino acid(s) of the HACD1 protein (p.Tyr186_Phe188del), but otherwise preserves the integrity of the reading frame. This variant is present in population databases (rs781807471, gnomAD 0.005%). This variant has not been reported in the literature in individuals affected with HACD1-related conditions. Experimental studies and prediction algorithms are not available or were not evaluated, and the functional significance of this variant is currently unknown. In summary, the available evidence is currently insufficient to determine the role of this variant in disease. Therefore, it has been classified as a Variant of Uncertain Significance.

NM_014241.4(HACD1):c.556_564del (p.Tyr186_Phe188del)

Gene: HACD1 (3-hydroxyacyl-CoA dehydratase 1; minus strand). Cytogenetic location: 10p12.33.
Variant type: Deletion.
Coding change: c.556_564del on transcript NM_014241.4 (MANE Select); coding-DNA positions 556 to 564, 9 bases deleted (TACACATTC; older notation c.556_564delTACACATTC).
Protein change: p.Tyr186_Phe188del.
Molecular consequence: inframe deletion.
Genome position (GRCh38, 1-based): chr10:17,599,331-17,599,339, GAATGTGTA deleted on the plus strand (TACACATTC on the coding strand, the reverse complement: HACD1 is on the minus strand); deleting any 9 consecutive bases within chr10:17,599,331-17,599,342 gives the same sequence; the c. name uses the placement nearest the transcript's 3' end. VCF-style (leftmost placement, unchanged base first): chr10-17599330-TGAATGTGTA-T. GRCh37 (hg19) VCF-style: chr10-17641329-TGAATGTGTA-T.
Identifiers: ClinVar variation 1900479 (VCV001900479.2), dbSNP rs781807471, ClinGen allele CA5427266.